The following is an entry in ClinVar:

NM_005891.3(ACAT2):c.851C>G (p.Ser284Cys)

Gene: ACAT2 (acetyl-CoA acetyltransferase 2; plus strand). Cytogenetic location: 6q25.3.
Variant type: single nucleotide variant.
Coding change: c.851C>G on transcript NM_005891.3 (MANE Select); coding-DNA position 851, C replaced by G.
Protein change: p.Ser284Cys; replaces serine 284 with cysteine.
Molecular consequence: missense variant.
Genome position (GRCh38, 1-based): chr6:159,777,395, C>G. VCF-style: chr6-159777395-C-G. GRCh37 (hg19) VCF-style: chr6-160198427-C-G.
Other names: c.938C>G, p.Ser313Cys (NM_001303253.1); short protein forms S284C, S313C.
Identifiers: ClinVar variation 778350 (VCV000778350.4), dbSNP rs146437481, ClinGen allele CA4079147.

ClinVar aggregate classification (germline): Benign/Likely benign. Review status: criteria provided, multiple submitters, no conflicts (2 of 4 stars). 2 submissions from 2 submitters: Benign (1); Likely benign (1). Last evaluated 2026-08-01.

Allele frequency attached by ClinVar (database versions not stated): ESP Exome Variant Server 0.00023; gnomAD 0.00045 and 0.00059; gnomAD exomes 0.00050 and 0.00122; TOPMed 0.00069; ExAC 0.00110; 1000 Genomes Project 30x 0.00141; 1000 Genomes Project 0.00160.
gnomAD v4.1: 809 of 1,614,142 alleles (0.05%); highest among the groups gnomAD compares: East Asian, 1.3%; 7 homozygotes.

Submissions (2):

CeGaT Center for Human Genetics Tuebingen
Classification: Likely benign. Last evaluated: 2026-08-01. Review status: criteria provided, single submitter. Criteria: CeGaT Center For Human Genetics Tuebingen Variant Classification Criteria Version 2. Collection method: clinical testing. Allele origin: germline. Affected: yes. Observed: 1 variant allele.
Comment: ACAT2: BS1

Labcorp Genetics (formerly Invitae), Labcorp
Classification: Benign. Last evaluated: 2018-06-13. Review status: criteria provided, single submitter. Criteria: Invitae Variant Classification Sherloc (09022015). Collection method: clinical testing. Allele origin: germline.